The following is an entry in ClinVar:

NM_033305.3(VPS13A):c.3932A>C (p.Asn1311Thr)

Gene: VPS13A (vacuolar protein sorting 13 homolog A; plus strand). Cytogenetic location: 9q21.2.
Variant type: single nucleotide variant.
Coding change: c.3932A>C on transcript NM_033305.3 (MANE Select); coding-DNA position 3932, A replaced by C.
Protein change: p.Asn1311Thr; replaces asparagine 1311 with threonine.
Molecular consequence: missense variant.
Genome position (GRCh38, 1-based): chr9:77,303,034, A>C. VCF-style: chr9-77303034-A-C. GRCh37 (hg19) VCF-style: chr9-79917950-A-C.
Other names: c.3932A>C (NM_033305.2); c.3815A>C, p.Asn1272Thr (NM_001018037.2); c.3932A>C, p.Asn1311Thr (NM_001018038.3, NM_015186.4); short protein forms N1272T, N1311T.
Identifiers: ClinVar variation 2119680 (VCV002119680.5), dbSNP rs1002483628, ClinGen allele CA373852771.

ClinVar aggregate classification (germline): Uncertain significance. Review status: criteria provided, single submitter (1 of 4 stars). 2 submissions from 2 submitters: Uncertain significance (1). 1 of the submissions does not count toward it. Last evaluated 2022-04-01.

Conditions:
VPS13A-related neurodegenerative disease. Also called: ACANTHOCYTOSIS WITH NEUROLOGIC DISORDER; LEVINE-CRITCHLEY SYNDROME; VPS13A Disease; Choreoacanthocytosis; Chorea-acanthocytosis; Choreaacanthocytosis. Identifiers: Orphanet 2388, MedGen C0393576, MONDO:0008695, OMIM 200150.

Submissions (2):

Labcorp Genetics (formerly Invitae), Labcorp
Classification: Uncertain significance. Last evaluated: 2022-04-01. Review status: criteria provided, single submitter. Criteria: Invitae Variant Classification Sherloc (09022015). Collection method: clinical testing. Allele origin: germline.
Comment: This sequence change replaces asparagine, which is neutral and polar, with threonine, which is neutral and polar, at codon 1311 of the VPS13A protein (p.Asn1311Thr). This variant is not present in population databases (gnomAD no frequency). This variant has not been reported in the literature in individuals affected with VPS13A-related conditions. Algorithms developed to predict the effect of missense changes on protein structure and function (SIFT, PolyPhen-2, Align-GVGD) all suggest that this variant is likely to be tolerated. In summary, the available evidence is currently insufficient to determine the role of this variant in disease. Therefore, it has been classified as a Variant of Uncertain Significance.

Natera, Inc.
Classification: Uncertain significance for Choreaacanthocytosis. Last evaluated: 2025-05-12. Review status: no assertion criteria provided. Collection method: clinical testing. Allele origin: germline. Not counted in ClinVar's aggregate classification.